The following is an entry in ClinVar:

ClinVar aggregate classification (germline): Uncertain significance. Review status: criteria provided, multiple submitters, no conflicts (2 of 4 stars). 2 submissions from 2 submitters: Uncertain significance (2). Last evaluated 2025-09-10.

Conditions:
Karyomegalic interstitial nephritis. Identifiers: Orphanet 401996, MedGen C3553774, MONDO:0013898, OMIM 614817.

gnomAD v4.1: 84 of 1,607,230 alleles (0.0052%); highest among the groups gnomAD compares: African/African-American, 0.099%; no homozygotes.

Submissions (2):

Labcorp Genetics (formerly Invitae), Labcorp
Classification: Uncertain significance. Last evaluated: 2025-09-10. Review status: criteria provided, single submitter. Criteria: Invitae Variant Classification Sherloc (09022015). Collection method: clinical testing. Allele origin: germline.
Comment: This sequence change replaces glycine, which is neutral and non-polar, with arginine, which is basic and polar, at codon 5 of the FAN1 protein (p.Gly5Arg). This variant is present in population databases (rs149291568, gnomAD 0.1%). This variant has not been reported in the literature in individuals affected with FAN1-related conditions. ClinVar contains an entry for this variant (Variation ID: 3576947). An algorithm developed to predict the effect of missense changes on protein structure and function outputs the following: PolyPhen-2: "Benign". The arginine amino acid residue is found in multiple mammalian species, which suggests that this missense change does not adversely affect protein function. In summary, the available evidence is currently insufficient to determine the role of this variant in disease. Therefore, it has been classified as a Variant of Uncertain Significance.

Fulgent Genetics
Classification: Uncertain significance for Karyomegalic interstitial nephritis. Last evaluated: 2024-06-14. Review status: criteria provided, single submitter. Criteria: ACMG Guidelines, 2015. Collection method: clinical testing. Allele origin: germline.

NM_014967.5(FAN1):c.13G>A (p.Gly5Arg)

Gene: FAN1 (FANCD2 and FANCI associated nuclease 1; plus strand). Cytogenetic location: 15q13.3.
Variant type: single nucleotide variant.
Coding change: c.13G>A on transcript NM_014967.5 (MANE Select); coding-DNA position 13, G replaced by A.
Protein change: p.Gly5Arg; replaces glycine 5 with arginine.
Molecular consequence: missense variant.
Genome position (GRCh38, 1-based): chr15:30,904,676, G>A. VCF-style: chr15-30904676-G-A. GRCh37 (hg19) VCF-style: chr15-31196879-G-A.
Other names: c.13G>A, p.Gly5Arg (NM_001146094.2, NM_001146095.1, NM_001146096.2); short protein forms G5R.
Identifiers: ClinVar variation 3576947 (VCV003576947.2).